The following is an entry in ClinVar:

NM_001077350.3(NPRL3):c.638C>T (p.Thr213Met)

Genes: HBA-LCR (alpha-globin locus control region; plus strand), NPRL3 (NPR3 like, GATOR1 complex subunit; minus strand). Cytogenetic location: 16p13.3.
Variant type: single nucleotide variant.
Coding change: c.638C>T on transcript NM_001077350.3 (MANE Select); coding-DNA position 638, C replaced by T.
Protein change: p.Thr213Met; replaces threonine 213 with methionine.
Molecular consequence: missense variant.
Genome position (GRCh38, 1-based): chr16:100,501, G>A on the plus strand (C>T on the coding strand, the complement: NPRL3 is on the minus strand). VCF-style: chr16-100501-G-A. GRCh37 (hg19) VCF-style: chr16-150499-G-A.
Other names: p.Thr213Met; c.101C>T, p.Thr34Met (NM_001039476.3); c.404C>T, p.Thr135Met (NM_001243247.2); c.563C>T, p.Thr188Met (NM_001243248.2, NM_001243249.2); short protein forms T34M, T188M, T213M, T135M.
Identifiers: ClinVar variation 944482 (VCV000944482.13), dbSNP rs776199294, ClinGen allele CA7769587.
Genomic context (GRCh38, chr16:100,501, plus strand): 5'-TGGGGCAGGCAGAAGCTCACCTCCAGCCAGCTGTTGATGTGAAGCCGAACTACGCCCGAC[G>A]TGCACAGGCTGCAGAGAGTGGGCGCTGTTACCCGTTCACATAAACTTTCTAACCATGCAC-3'
Protein context (NP_001070818.1, residues 203-223): DLKEAYDSLC[Thr213Met]SGVVRLHINS

ClinVar aggregate classification (germline): Uncertain significance. Review status: criteria provided, multiple submitters, no conflicts (2 of 4 stars). 3 submissions from 3 submitters: Uncertain significance (3). Last evaluated 2025-02-17.

Conditions:
Epilepsy, familial focal, with variable foci 3 (FFEVF3). Identifiers: MedGen C4310708, MONDO:0014925, OMIM 617118.

Allele frequency attached by ClinVar (database versions not stated): gnomAD 0.00001; TOPMed 0.00002; gnomAD exomes 0.00007; ExAC 0.00009.

Submissions (3):

Labcorp Genetics (formerly Invitae), Labcorp
Classification: Uncertain significance for Epilepsy, familial focal, with variable foci 3. Last evaluated: 2025-02-17. Review status: criteria provided, single submitter. Criteria: Invitae Variant Classification Sherloc (09022015). Collection method: clinical testing. Allele origin: germline.
Comment: This sequence change replaces threonine, which is neutral and polar, with methionine, which is neutral and non-polar, at codon 213 of the NPRL3 protein (p.Thr213Met). This variant is present in population databases (rs776199294, gnomAD 0.06%), and has an allele count higher than expected for a pathogenic variant. This variant has not been reported in the literature in individuals affected with NPRL3-related conditions. ClinVar contains an entry for this variant (Variation ID: 944482). Invitae Evidence Modeling of protein sequence and biophysical properties (such as structural, functional, and spatial information, amino acid conservation, physicochemical variation, residue mobility, and thermodynamic stability) indicates that this missense variant is not expected to disrupt NPRL3 protein function with a negative predictive value of 80%. In summary, the available evidence is currently insufficient to determine the role of this variant in disease. Therefore, it has been classified as a Variant of Uncertain Significance.

Mayo Clinic Laboratories, Mayo Clinic
Classification: Uncertain significance. Last evaluated: 2022-08-15. Review status: criteria provided, single submitter. Criteria: ACMG Guidelines, 2015. Collection method: clinical testing. Allele origin: germline. Observed: 1 variant allele.

Revvity Omics, Revvity
Classification: Uncertain significance for Epilepsy, familial focal, with variable foci 3. Last evaluated: 2019-02-14. Review status: criteria provided, single submitter. Criteria: ACMG Guidelines, 2015. Collection method: clinical testing. Allele origin: germline.